The following is an entry in ClinVar:

NC_000001.11:g.(?_46190463)_(46190794_?)del

Genes: POMGNT1 (protein O-linked mannose N-acetylglucosaminyltransferase 1 (beta 1,2-); minus strand), TSPAN1 (tetraspanin 1; plus strand). Cytogenetic location: 1p34.1.
Variant type: Deletion.
Identifiers: ClinVar variation 644271 (VCV000644271.7).

ClinVar aggregate classification (germline): Pathogenic (1 of 4 stars; one submission).

Conditions:
Autosomal recessive limb-girdle muscular dystrophy type 2O. Also called: Limb-Girdle Muscular Dystrophy Type 3C; MUSCULAR DYSTROPHY-DYSTROGLYCANOPATHY, LIMB-GIRDLE, POMGNT1-RELATED; MUSCULAR DYSTROPHY-DYSTROGLYCANOPATHY (LIMB-GIRDLE), TYPE C, 3. Identifiers: Orphanet 206564, MedGen C3150417, MONDO:0013161, OMIM 613157.
Muscular dystrophy-dystroglycanopathy (congenital with impaired intellectual development), type B, 3. Also called: Muscular dystrophy-dystroglycanopathy (congenital with intellectual disability), type B3; MUSCULAR DYSTROPHY, CONGENITAL, POMGNT1-RELATED. Identifiers: MedGen C3150412, MONDO:0013155, OMIM 613151.

Submission:

Labcorp Genetics (formerly Invitae), Labcorp
Classification: Pathogenic for Autosomal recessive limb-girdle muscular dystrophy type 2O; Muscular dystrophy-dystroglycanopathy (congenital with impaired intellectual development), type B, 3. Last evaluated: 2022-06-08. Review status: criteria provided, single submitter. Criteria: Invitae Variant Classification Sherloc (09022015). Collection method: clinical testing. Allele origin: germline.
Comment: This variant is a gross deletion of the genomic region encompassing exon(s) 18-19 of the POMGNT1 gene. This deletion is out-of-frame, and is expected to create a premature termination codon and result in an absent or disrupted protein product. Loss-of-function variants in POMGNT1 are known to be pathogenic (PMID: 19299310, 20816175, 21447391, 26908613, 27391550). A similar copy number variant has been observed in individual(s) with congenital muscular dystrophy or muscle-eye-brain disease (PMID: 25987458, 28765568). For these reasons, this variant has been classified as Pathogenic.

Literature cited by the submitters: PubMed 19299310; PubMed 20816175; PubMed 21447391; PubMed 26908613; PubMed 27391550; PubMed 25987458; PubMed 28765568.